The following is an entry in ClinVar:

NM_001389556.1(UBXN11):c.1480A>G (p.Ser494Gly)

Gene: UBXN11 (UBX domain protein 11; minus strand). Cytogenetic location: 1p36.11.
Variant type: single nucleotide variant.
Coding change: c.1480A>G on transcript NM_001389556.1 (MANE Select); coding-DNA position 1480, A replaced by G.
Protein change: p.Ser494Gly; replaces serine 494 with glycine.
Molecular consequence: missense variant.
Genome position (GRCh38, 1-based): chr1:26,282,382, T>C on the plus strand (A>G on the coding strand, the complement: UBXN11 is on the minus strand). VCF-style: chr1-26282382-T-C. GRCh37 (hg19) VCF-style: chr1-26608873-T-C.
Other names: c.1120A>G, p.Ser374Gly (NM_001077262.2); c.1381A>G, p.Ser461Gly (NM_001389559.1, NM_145345.3); c.1480A>G, p.Ser494Gly (NM_183008.3); short protein forms S374G, S461G, S494G.
Identifiers: ClinVar variation 4681327 (VCV004681327.5).
Genomic context (GRCh38, chr1:26,282,382, plus strand): 5'-CAGGACAGGGACTGGGGCCGGGACCGGGACCGGGACTGGGGCCGGGACCGGGACCGGGAC[T>C]GGGGCCGGGACCGGGACCGGGACAGGGACCAGGACTGAATTTCAGGCTGGACTTCGGGGC-3'
Protein context (NP_001376485.1, residues 484-504): GPCPGPGPGP[Ser494Gly]PGPGPGPSPG

ClinVar aggregate classification (germline): Likely benign (1 of 4 stars; one submission).

gnomAD v4.1: 1,149 of 334,008 alleles (0.34%); highest among the groups gnomAD compares: Non-Finnish European, 0.38%; 21 homozygotes.

Submission:

CeGaT Center for Human Genetics Tuebingen
Classification: Likely benign. Last evaluated: 2025-12-01. Review status: criteria provided, single submitter. Criteria: CeGaT Center For Human Genetics Tuebingen Variant Classification Criteria Version 2. Collection method: clinical testing. Allele origin: germline. Affected: yes. Observed: 1 variant allele.
Comment: UBXN11: BP4, BS2